The following is an entry in ClinVar:

NM_006059.4(LAMC3):c.2468A>G (p.Asn823Ser)

Gene: LAMC3 (laminin subunit gamma 3; plus strand). Cytogenetic location: 9q34.12.
Variant type: single nucleotide variant.
Coding change: c.2468A>G on transcript NM_006059.4 (MANE Select); coding-DNA position 2468, A replaced by G.
Protein change: p.Asn823Ser; replaces asparagine 823 with serine.
Molecular consequence: missense variant.
Genome position (GRCh38, 1-based): chr9:131,067,080, A>G. VCF-style: chr9-131067080-A-G. GRCh37 (hg19) VCF-style: chr9-133942467-A-G.
Other names: short protein forms N823S.
Identifiers: ClinVar variation 1303702 (VCV001303702.31), dbSNP rs140325029, ClinGen allele CA5287442.

ClinVar aggregate classification (germline): Conflicting classifications of pathogenicity. Review status: criteria provided, conflicting classifications (1 of 4 stars). 4 submissions from 4 submitters: Uncertain significance (3); Likely benign (1). Last evaluated 2025-05-20.

Conditions:
Inborn genetic diseases. Identifiers: MedGen C0950123, MeSH D030342.

Allele frequency attached by ClinVar (database versions not stated): ExAC 0.00009; ESP Exome Variant Server 0.00015; gnomAD exomes 0.00015 and 0.00051; gnomAD 0.00017; TOPMed 0.00019.
gnomAD v4.1: 739 of 1,614,034 alleles (0.046%); highest among the groups gnomAD compares: Non-Finnish European, 0.062%; no homozygotes.

Submissions (4):

GeneDx
Classification: Uncertain significance. Last evaluated: 2025-05-20. Review status: criteria provided, single submitter. Criteria: GeneDx Variant Classification Process June 2021. Collection method: clinical testing. Allele origin: germline. Affected: yes.
Comment: In silico analysis supports that this missense variant has a deleterious effect on protein structure/function; Has not been previously published as pathogenic or benign to our knowledge

Ambry Genetics
Classification: Uncertain significance for Inborn genetic diseases. Last evaluated: 2024-10-09. Review status: criteria provided, single submitter. Criteria: Ambry Variant Classification Scheme 2023. Collection method: clinical testing. Allele origin: germline.

Labcorp Genetics (formerly Invitae), Labcorp
Classification: Uncertain significance. Last evaluated: 2022-08-23. Review status: criteria provided, single submitter. Criteria: Invitae Variant Classification Sherloc (09022015). Collection method: clinical testing. Allele origin: germline.
Comment: This sequence change replaces asparagine, which is neutral and polar, with serine, which is neutral and polar, at codon 823 of the LAMC3 protein (p.Asn823Ser). This variant is present in population databases (rs140325029, gnomAD 0.03%). This variant has not been reported in the literature in individuals affected with LAMC3-related conditions. ClinVar contains an entry for this variant (Variation ID: 1303702). Algorithms developed to predict the effect of missense changes on protein structure and function are either unavailable or do not agree on the potential impact of this missense change (SIFT: "Deleterious"; PolyPhen-2: "Possibly Damaging"; Align-GVGD: "Class C0"). Algorithms developed to predict the effect of sequence changes on RNA splicing suggest that this variant may create or strengthen a splice site. In summary, the available evidence is currently insufficient to determine the role of this variant in disease. Therefore, it has been classified as a Variant of Uncertain Significance.

CeGaT Center for Human Genetics Tuebingen
Classification: Likely benign. Last evaluated: 2022-05-01. Review status: criteria provided, single submitter. Criteria: CeGaT Center For Human Genetics Tuebingen Variant Classification Criteria Version 2. Collection method: clinical testing. Allele origin: germline. Affected: yes. Observed: 1 variant allele.
Comment: LAMC3: BP4, BS2